The following is an entry in ClinVar:

NM_006767.4(LZTR1):c.161G>A (p.Trp54Ter)

Gene: LZTR1 (leucine zipper like post translational regulator 1; plus strand). Cytogenetic location: 22q11.21.
Variant type: single nucleotide variant.
Coding change: c.161G>A on transcript NM_006767.4 (MANE Select); coding-DNA position 161, G replaced by A.
Protein change: p.Trp54Ter; replaces tryptophan 54 with a stop codon.
Molecular consequence: nonsense.
Genome position (GRCh38, 1-based): chr22:20,982,532, G>A. VCF-style: chr22-20982532-G-A. GRCh37 (hg19) VCF-style: chr22-21336821-G-A.
Other names: short protein forms W54*.
Identifiers: ClinVar variation 1776577 (VCV001776577.4), dbSNP rs1323078491, ClinGen allele CA410778019.
Genomic context (GRCh38, chr22:20,982,532, plus strand): 5'-GCTCGGACAGTGTCGAGTACCTGACGCTCAACTTCGGGCCCTTCGAAACAGTGCATCGCT[G>A]GCGGCGCCTCCCGCCCTGCGACGAGTTCGTGGGTGCCCGGTACGGTGGGCTTCATGGGGT-3'

ClinVar aggregate classification (germline): Pathogenic. Review status: criteria provided, multiple submitters, no conflicts (2 of 4 stars). 2 submissions from 2 submitters: Pathogenic (2). Last evaluated 2024-06-06.

Conditions:
Cardiovascular phenotype. Identifiers: MedGen CN230736.
Hereditary cancer-predisposing syndrome. Also called: Neoplastic Syndromes, Hereditary; Tumor predisposition; Hereditary Cancer Syndrome; Hereditary neoplastic syndrome. Identifiers: Orphanet 140162, MedGen C0027672, MeSH D009386, MONDO:0015356.

Allele frequency attached by ClinVar (database versions not stated): gnomAD exomes below 0.00001; TOPMed below 0.00001; gnomAD 0.00001.
gnomAD v4.1: 3 of 1,612,988 alleles (0.00019%); highest among the groups gnomAD compares: South Asian, 0.0022%; no homozygotes.

Submissions (2):

Labcorp Genetics (formerly Invitae), Labcorp
Classification: Pathogenic. Last evaluated: 2024-06-06. Review status: criteria provided, single submitter. Criteria: Invitae Variant Classification Sherloc (09022015). Collection method: clinical testing. Allele origin: germline.
Comment: This sequence change creates a premature translational stop signal (p.Trp54*) in the LZTR1 gene. It is expected to result in an absent or disrupted protein product. Loss-of-function variants in LZTR1 are known to be pathogenic (PMID: 24362817, 25335493, 25480913, 25795793, 29469822, 30368668, 30442762, 30442766, 30481304, 30859559). This variant is not present in population databases (gnomAD no frequency). This premature translational stop signal has been observed in individual(s) with clinical features of LZTR1-related conditions (PMID: 32575496). ClinVar contains an entry for this variant (Variation ID: 1776577). For these reasons, this variant has been classified as Pathogenic.

Ambry Genetics
Classification: Pathogenic for Cardiovascular phenotype; Hereditary cancer-predisposing syndrome. Last evaluated: 2022-05-13. Review status: criteria provided, single submitter. Criteria: Ambry Variant Classification Scheme 2023. Collection method: clinical testing. Allele origin: germline.
Comment: The p.W54* pathogenic mutation (also known as c.161G>A), located in coding exon 1 of the LZTR1 gene, results from a G to A substitution at nucleotide position 161. This changes the amino acid from a tryptophan to a stop codon within coding exon 1. This mutation was identified in a cohort of individuals with suspected NF1 but specific clinical information about this individual was not provided (Bianchessi D et al. Genes (Basel), 2020 06;11). This alteration is expected to result in loss of function by premature protein truncation or nonsense-mediated mRNA decay. Loss-of-function variants in LZTR1 are related to an increased risk for schwannomas and autosomal recessive Noonan syndrome; however, such associations with autosomal dominant Noonan syndrome have not been observed (Piotrowski A et al. Nat Genet. 2014 Feb;46:182-7; Yamamoto GL et al. J Med Genet. 2015 Jun;52:413-21; Johnston JJ et al. Genet Med. 2018 10;20:1175-1185). Based on the supporting evidence, this variant is pathogenic for an increased risk of LZTR1-related schwannomatosis (SWN) and would be expected to cause autosomal recessive Noonan syndrome when present along with a second pathogenic or likely pathogenic variant on the other allele; however, the association of this alteration with autosomal dominant Noonan syndrome is unlikely.

Literature cited by the submitters: PubMed 24362817 (cited by Labcorp Genetics (formerly Invitae), Labcorp); PubMed 25335493 (cited by Labcorp Genetics (formerly Invitae), Labcorp); PubMed 25480913 (cited by Labcorp Genetics (formerly Invitae), Labcorp); PubMed 25795793 (cited by Labcorp Genetics (formerly Invitae), Labcorp); PubMed 29469822 (cited by Labcorp Genetics (formerly Invitae), Labcorp); PubMed 30368668 (cited by Labcorp Genetics (formerly Invitae), Labcorp); PubMed 30442762 (cited by Labcorp Genetics (formerly Invitae), Labcorp); PubMed 30442766 (cited by Labcorp Genetics (formerly Invitae), Labcorp); PubMed 30481304 (cited by Labcorp Genetics (formerly Invitae), Labcorp); PubMed 30859559 (cited by Labcorp Genetics (formerly Invitae), Labcorp); PubMed 32575496 (cited by Labcorp Genetics (formerly Invitae), Labcorp).